The following is an entry in ClinVar:

ClinVar aggregate classification (germline): Uncertain significance. Review status: criteria provided, multiple submitters, no conflicts (2 of 4 stars). 2 submissions from 2 submitters: Uncertain significance (2). Last evaluated 2025-08-31.

Conditions:
Progressive myoclonic epilepsy type 7. Identifiers: Orphanet 435438, MedGen C4015420, MONDO:0014521, OMIM 616187.
Inborn genetic diseases. Identifiers: MedGen C0950123, MeSH D030342.

gnomAD v4.1: 18 of 1,609,946 alleles (0.0011%); highest among the groups gnomAD compares: Admixed American, 0.0017%; no homozygotes.

Submissions (2):

Ambry Genetics
Classification: Uncertain significance for Inborn genetic diseases. Last evaluated: 2025-08-31. Review status: criteria provided, single submitter. Criteria: Ambry Variant Classification Scheme 2023. Collection method: clinical testing. Allele origin: germline.

Labcorp Genetics (formerly Invitae), Labcorp
Classification: Uncertain significance for Progressive myoclonic epilepsy type 7. Last evaluated: 2023-11-03. Review status: criteria provided, single submitter. Criteria: Invitae Variant Classification Sherloc (09022015). Collection method: clinical testing. Allele origin: germline.
Comment: This sequence change replaces phenylalanine, which is neutral and non-polar, with leucine, which is neutral and non-polar, at codon 198 of the KCNC1 protein (p.Phe198Leu). This variant is present in population databases (rs371344625, gnomAD 0.003%). This variant has not been reported in the literature in individuals affected with KCNC1-related conditions. Advanced modeling of protein sequence and biophysical properties (such as structural, functional, and spatial information, amino acid conservation, physicochemical variation, residue mobility, and thermodynamic stability) performed at Invitae indicates that this missense variant is not expected to disrupt KCNC1 protein function with a negative predictive value of 80%. In summary, the available evidence is currently insufficient to determine the role of this variant in disease. Therefore, it has been classified as a Variant of Uncertain Significance.

NM_001112741.2(KCNC1):c.594C>G (p.Phe198Leu)

Gene: KCNC1 (potassium voltage-gated channel subfamily C member 1; plus strand). Cytogenetic location: 11p15.1.
Variant type: single nucleotide variant.
Coding change: c.594C>G on transcript NM_001112741.2 (MANE Select); coding-DNA position 594, C replaced by G.
Protein change: p.Phe198Leu; replaces phenylalanine 198 with leucine.
Molecular consequence: missense variant.
Genome position (GRCh38, 1-based): chr11:17,771,688, C>G. VCF-style: chr11-17771688-C-G. GRCh37 (hg19) VCF-style: chr11-17793235-C-G.
Other names: c.594C>G (NM_001112741.1); c.594C>G, p.Phe198Leu (NM_004976.4); short protein forms F198L.
Identifiers: ClinVar variation 2990951 (VCV002990951.4), dbSNP rs371344625, ClinGen allele CA5906702.